The following is an entry in ClinVar:

NM_000492.4(CFTR):c.2841T>G (p.Ile947Met)

Gene: CFTR (CF transmembrane conductance regulator; plus strand). Cytogenetic location: 7q31.2.
Variant type: single nucleotide variant.
Coding change: c.2841T>G on transcript NM_000492.4 (MANE Select); coding-DNA position 2841, T replaced by G.
Protein change: p.Ile947Met; replaces isoleucine 947 with methionine.
Molecular consequence: missense variant.
Genome position (GRCh38, 1-based): chr7:117,603,715, T>G. VCF-style: chr7-117603715-T-G. GRCh37 (hg19) VCF-style: chr7-117243769-T-G.
Other names: short protein forms I947M.
Identifiers: ClinVar variation 3832571 (VCV003832571.1).

ClinVar aggregate classification (germline): Uncertain significance (1 of 4 stars; one submission).

Conditions:
Cystic fibrosis (CF). Also called: MUCOVISCIDOSIS. Identifiers: Orphanet 586, MedGen C0010674, MONDO:0009061, OMIM 219700. Disease mechanism: loss of function.

Submission:

Ambry Genetics
Classification: Uncertain significance for Cystic fibrosis. Last evaluated: 2025-01-10. Review status: criteria provided, single submitter. Criteria: Ambry Variant Classification Scheme 2023. Collection method: clinical testing. Allele origin: germline.
Comment: The p.I947M variant (also known as c.2841T>G), located in coding exon 17 of the CFTR gene, results from a T to G substitution at nucleotide position 2841. The isoleucine at codon 947 is replaced by methionine, an amino acid with highly similar properties. This amino acid position is conserved. In addition, the in silico prediction for this alteration is inconclusive. Based on the available evidence, the clinical significance of this variant remains unclear.